The following is an entry in ClinVar:

NC_000023.11:g.(?_32287509)_(32287721_?)del

Gene: DMD (dystrophin; minus strand). Cytogenetic location: Xp21.1.
Variant type: Deletion.
Identifiers: ClinVar variation 455829 (VCV000455829.1).

ClinVar aggregate classification (germline): Pathogenic (1 of 4 stars; one submission).

Conditions:
Duchenne muscular dystrophy (DMD). Also called: MUSCULAR DYSTROPHY, PSEUDOHYPERTROPHIC PROGRESSIVE, DUCHENNE TYPE; Duchenne Muscular Dystrophy (DMD). Identifiers: Orphanet 98896, MedGen C0013264, MONDO:0010679, OMIM 310200.

Submission:

Labcorp Genetics (formerly Invitae), Labcorp
Classification: Pathogenic for Duchenne muscular dystrophy. Last evaluated: 2017-05-01. Review status: criteria provided, single submitter. Criteria: Invitae Variant Classification Sherloc (09022015). Collection method: clinical testing. Allele origin: germline.
Comment: This variant is an out-of-frame deletion of the genomic region encompassing exon 43 of the DMD gene. This creates a premature translational stop signal and is expected to result in an absent or disrupted protein product. Loss-of-function variants in DMD are known to be pathogenic. A similar copy number variant has been reported in the literature in multiple individuals affected with DMD-related muscular dystrophy (PMID: 18353051, Â¬â€ 11381192, 18752307). For these reasons, this variant has been classified as Pathogenic.